The following is an entry in ClinVar:

ClinVar aggregate classification (germline): Likely pathogenic (1 of 4 stars; one submission).

Conditions:
Inborn genetic diseases. Identifiers: MedGen C0950123, MeSH D030342.

Submission:

Ambry Genetics
Classification: Likely pathogenic for Inborn genetic diseases. Last evaluated: 2019-09-17. Review status: criteria provided, single submitter. Criteria: Ambry Variant Classification Scheme 2023. Collection method: clinical testing. Allele origin: germline.
Comment: The c.854dupG variant, located in coding exon 1 of the ARID1A gene, results from a duplication of G at nucleotide position 854, causing a translational frameshift with a predicted alternate stop codon (p.T286Nfs*114). This alteration is expected to result in loss of function by premature protein truncation or nonsense-mediated mRNA decay. Based on the majority of available evidence to date, this variant is likely to be pathogenic.

NM_006015.6(ARID1A):c.854dup (p.Thr286fs)

Genes: ARID1A (AT-rich interaction domain 1A; plus strand), LOC129929837 (ATAC-STARR-seq lymphoblastoid silent region 489; plus strand). Cytogenetic location: 1p36.11.
Variant type: Duplication.
Coding change: c.854dup on transcript NM_006015.6 (MANE Select); coding-DNA position 854, one base duplicated (G; older notation c.854dupG).
Protein change: p.Thr286fs; shifts the reading frame from threonine 286.
Molecular consequence: frameshift variant.
Genome position (GRCh38, 1-based): chr1:26,697,257, G duplicated; the last of 5 consecutive G bases (chr1:26,697,253-26,697,257); duplicating any one gives the same sequence. VCF-style (leftmost placement, unchanged base first): chr1-26697252-C-CG. GRCh37 (hg19) VCF-style: chr1-27023743-C-CG.
Other names: c.854dup, p.Thr286fs (NM_139135.4); c.854dupG (NM_006015.4); short protein forms T286fs.
Identifiers: ClinVar variation 1763814 (VCV001763814.2), dbSNP rs2525562224, ClinGen allele CA2580062648.